The following is an entry in ClinVar:

ClinVar aggregate classification (germline): Uncertain significance (1 of 4 stars; one submission).

Conditions:
Hereditary cancer-predisposing syndrome. Also called: Neoplastic Syndromes, Hereditary; Tumor predisposition; Hereditary Cancer Syndrome; Hereditary neoplastic syndrome. Identifiers: Orphanet 140162, MedGen C0027672, MeSH D009386, MONDO:0015356.

Submission:

Ambry Genetics
Classification: Uncertain significance for Hereditary cancer-predisposing syndrome. Last evaluated: 2022-04-25. Review status: criteria provided, single submitter. Criteria: Ambry Variant Classification Scheme 2023. Collection method: clinical testing. Allele origin: germline.
Comment: The p.T112S variant (also known as c.335C>G), located in coding exon 1 of the GREM1 gene, results from a C to G substitution at nucleotide position 335. The threonine at codon 112 is replaced by serine, an amino acid with similar properties. This amino acid position is conserved. In addition, the in silico prediction for this alteration is inconclusive. Since supporting evidence is limited at this time, the clinical significance of this alteration remains unclear.

NM_013372.7(GREM1):c.335C>G (p.Thr112Ser)

Gene: GREM1 (gremlin 1, DAN family BMP antagonist; plus strand). Cytogenetic location: 15q13.3.
Variant type: single nucleotide variant.
Coding change: c.335C>G on transcript NM_013372.7 (MANE Select); coding-DNA position 335, C replaced by G.
Protein change: p.Thr112Ser; replaces threonine 112 with serine.
Molecular consequence: missense variant.
Genome position (GRCh38, 1-based): chr15:32,731,025, C>G. VCF-style: chr15-32731025-C-G. GRCh37 (hg19) VCF-style: chr15-33023226-C-G.
Other names: c.125C>G, p.Thr42Ser (NM_001191322.2); c.212C>G, p.Thr71Ser (NM_001191323.2); c.335C>G, p.Thr112Ser (NM_001368719.1); short protein forms T112S, T71S, T42S.
Identifiers: ClinVar variation 1730587 (VCV001730587.2), dbSNP rs1259486563, ClinGen allele CA391557716.